The following is an entry in ClinVar:

ClinVar aggregate classification (germline): Uncertain significance (1 of 4 stars; one submission).

Allele frequency attached by ClinVar (database versions not stated): gnomAD exomes below 0.00001; ExAC 0.00001; gnomAD 0.00001; 1000 Genomes Project 30x 0.00016; 1000 Genomes Project 0.00020.
gnomAD v4.1: 2 of 1,614,216 alleles (0.00012%); highest among the groups gnomAD compares: Admixed American, 0.0033%; no homozygotes.

Submission:

Labcorp Genetics (formerly Invitae), Labcorp
Classification: Uncertain significance. Last evaluated: 2021-04-10. Review status: criteria provided, single submitter. Criteria: Invitae Variant Classification Sherloc (09022015). Collection method: clinical testing. Allele origin: germline.
Comment: In summary, the available evidence is currently insufficient to determine the role of this variant in disease. Therefore, it has been classified as a Variant of Uncertain Significance. Algorithms developed to predict the effect of missense changes on protein structure and function (SIFT, PolyPhen-2, Align-GVGD) all suggest that this variant is likely to be tolerated, but these predictions have not been confirmed by published functional studies and their clinical significance is uncertain. This variant has not been reported in the literature in individuals with C8A-related conditions. This variant is present in population databases (rs573218962, ExAC 0.009%). This sequence change replaces glutamic acid with glutamine at codon 493 of the C8A protein (p.Glu493Gln). The glutamic acid residue is moderately conserved and there is a small physicochemical difference between glutamic acid and glutamine.

NM_000562.3(C8A):c.1477G>C (p.Glu493Gln)

Gene: C8A (complement C8 alpha chain; plus strand). Cytogenetic location: 1p32.2.
Variant type: single nucleotide variant.
Coding change: c.1477G>C on transcript NM_000562.3 (MANE Select); coding-DNA position 1477, G replaced by C.
Protein change: p.Glu493Gln; replaces glutamic acid 493 with glutamine.
Molecular consequence: missense variant.
Genome position (GRCh38, 1-based): chr1:56,912,499, G>C. VCF-style: chr1-56912499-G-C. GRCh37 (hg19) VCF-style: chr1-57378172-G-C.
Other names: short protein forms E493Q.
Identifiers: ClinVar variation 1488390 (VCV001488390.8), dbSNP rs573218962, ClinGen allele CA875405.